The following is an entry in ClinVar:

ClinVar aggregate classification (germline): Uncertain significance (1 of 4 stars; one submission).

Conditions:
Osteogenesis imperfecta type 10 (OI10). Also called: OI, TYPE X. Identifiers: Orphanet 666, MedGen C3151211, MONDO:0013459, OMIM 613848.

Allele frequency attached by ClinVar (database versions not stated): gnomAD exomes below 0.00001; TOPMed below 0.00001; ExAC 0.00001; gnomAD 0.00001.
gnomAD v4.1: 4 of 1,613,994 alleles (0.00025%); highest among the groups gnomAD compares: South Asian, 0.0011%; no homozygotes.

Submission:

Neuberg Centre For Genomic Medicine, NCGM
Classification: Uncertain significance for Osteogenesis imperfecta type 10. Review status: criteria provided, single submitter. Criteria: ACMG Guidelines, 2015. Collection method: clinical testing. Allele origin: germline. Inheritance: Autosomal recessive inheritance. Affected: yes.
Comment: The missense variant in c.1244G>A(p.Arg415Gln) in SERPINH1 gene has not been reported previously as a pathogenic variant nor as a benign variant, to our knowledge. The p.Arg415Gln variant is novel (not in any individuals) in 1000 Genomes and has allele frequency of 0.0008% in gnomAD database. The amino acid change p.Arg415Gln in SERPINH1 is predicted as conserved by GERP++ and PhyloP across 100 vertebrates. The amino acid Arg at position 415 is changed to a Gln changing protein sequence and it might alter its composition and physico-chemical properties. For these reasons, this variant has been classified as Uncertain Significance (VUS).

NM_001235.5(SERPINH1):c.1244G>A (p.Arg415Gln)

Gene: SERPINH1 (serpin family H member 1; plus strand). Cytogenetic location: 11q13.5.
Variant type: single nucleotide variant.
Coding change: c.1244G>A on transcript NM_001235.5 (MANE Select); coding-DNA position 1244, G replaced by A.
Protein change: p.Arg415Gln; replaces arginine 415 with glutamine.
Molecular consequence: missense variant.
Genome position (GRCh38, 1-based): chr11:75,572,070, G>A. VCF-style: chr11-75572070-G-A. GRCh37 (hg19) VCF-style: chr11-75283115-G-A.
Other names: c.1244G>A, p.Arg415Gln (NM_001207014.3); short protein forms R415Q.
Identifiers: ClinVar variation 2585085 (VCV002585085.1), dbSNP rs760141322, ClinGen allele CA6191059.